The following is an entry in ClinVar:

ClinVar aggregate classification (germline): Likely benign (0 of 4 stars; one submission).

Conditions:
BRAF-related disorder. Also called: BRAF-related condition.

Submission:

PreventionGenetics, part of Exact Sciences
Classification: Likely benign for BRAF-related condition. Last evaluated: 2024-05-23. Review status: no assertion criteria provided. Collection method: clinical testing. Allele origin: germline.
Comment: This variant is classified as likely benign based on ACMG/AMP sequence variant interpretation guidelines (Richards et al. 2015 PMID: 25741868, with internal and published modifications).

NM_004333.6(BRAF):c.96C>G (p.Gly32=)

Gene: BRAF (B-Raf proto-oncogene, serine/threonine kinase; minus strand). Cytogenetic location: 7q34.
Variant type: single nucleotide variant.
Coding change: c.96C>G on transcript NM_004333.6 (MANE Select); coding-DNA position 96, C replaced by G.
Protein change: p.Gly32=; no amino-acid change (glycine 32 retained).
Molecular consequence: synonymous variant.
Genome position (GRCh38, 1-based): chr7:140,924,608, G>C on the plus strand (C>G on the coding strand, the complement: BRAF is on the minus strand). VCF-style: chr7-140924608-G-C. GRCh37 (hg19) VCF-style: chr7-140624408-G-C.
Other names: c.96C>G, p.Gly32= (NM_001354609.2, NM_001374244.1, NM_001374258.1 and 7 more transcripts).
Identifiers: ClinVar variation 3351333 (VCV003351333.1).